The following is an entry in ClinVar:

ClinVar aggregate classification (germline): Benign/Likely benign. Review status: criteria provided, multiple submitters, no conflicts (2 of 4 stars). 6 submissions from 6 submitters: Benign (1); Likely benign (4). 1 of the submissions does not count toward it. Last evaluated 2025-12-10.

Conditions:
SMAD4-related disorder. Also called: SMAD4-related condition; SMAD4-Related disorders.
Juvenile polyposis syndrome (JPS). Identifiers: Orphanet 2929, MedGen C0345893, MONDO:0017380, OMIM 174900.
Hereditary cancer-predisposing syndrome. Also called: Neoplastic Syndromes, Hereditary; Hereditary Cancer Syndrome; Hereditary neoplastic syndrome; Tumor predisposition. Identifiers: Orphanet 140162, MedGen C0027672, MeSH D009386, MONDO:0015356.
Familial thoracic aortic aneurysm and aortic dissection (TAAD). Also called: Thoracic aortic aneurysms and dissections. Identifiers: Orphanet 91387, MedGen C4707243, MONDO:0019625.
Juvenile polyposis/hereditary hemorrhagic telangiectasia syndrome (JPHT). Also called: POLYPOSIS, GENERALIZED JUVENILE, WITH PULMONARY ARTERIOVENOUS MALFORMATION; TELANGIECTASIA, HEREDITARY HEMORRHAGIC, WITH JUVENILE POLYPOSIS COLI; Juvenile Polyposis Syndrome / Hereditary Hemorrhagic Telangiectasia (JPS/HHT); JP/HHT SYNDROME; JUVENILE POLYPOSIS WITH HEREDITARY HEMORRHAGIC TELANGIECTASIA. Identifiers: Orphanet 2929, MedGen C1832942, MONDO:0008278, OMIM 175050.

Allele frequency attached by ClinVar (database versions not stated): gnomAD exomes below 0.00001.
gnomAD v4.1: 1 of 1,613,704 alleles (0.000062%); highest among the groups gnomAD compares: Non-Finnish European, 0.000085%; no homozygotes.

Submissions (6):

Labcorp Genetics (formerly Invitae), Labcorp
Classification: Likely benign for Juvenile polyposis syndrome. Last evaluated: 2025-12-10. Review status: criteria provided, single submitter. Criteria: Invitae Variant Classification Sherloc (09022015). Collection method: clinical testing. Allele origin: germline.

Myriad Genetics, Inc.
Classification: Benign for Juvenile polyposis/hereditary hemorrhagic telangiectasia syndrome. Last evaluated: 2025-03-19. Review status: criteria provided, single submitter. Criteria: Myriad Autosomal Dominant, Autosomal Recessive and X-Linked Classification Criteria (2023). Collection method: clinical testing. Allele origin: unknown.
Comment: This variant is considered benign. This variant is a silent/synonymous amino acid change and it is not expected to impact splicing.

Ambry Genetics
Classification: Likely benign for Hereditary cancer-predisposing syndrome; Familial thoracic aortic aneurysm and aortic dissection. Last evaluated: 2019-07-26. Review status: criteria provided, single submitter. Criteria: Ambry Variant Classification Scheme 2023. Collection method: clinical testing. Allele origin: germline.

Color Diagnostics, LLC DBA Color Health
Classification: Likely benign for Hereditary cancer-predisposing syndrome. Last evaluated: 2019-04-29. Review status: criteria provided, single submitter. Criteria: ACMG Guidelines, 2015. Collection method: clinical testing. Allele origin: germline.

GeneDx
Classification: Likely benign. Last evaluated: 2016-11-21. Review status: criteria provided, single submitter. Criteria: GeneDx Variant Classification (06012015). Collection method: clinical testing. Allele origin: germline. Affected: yes.
Comment: This variant is considered likely benign or benign based on one or more of the following criteria: it is a conservative change, it occurs at a poorly conserved position in the protein, it is predicted to be benign by multiple in silico algorithms, and/or has population frequency not consistent with disease.

PreventionGenetics, part of Exact Sciences
Classification: Likely benign for SMAD4-related condition. Last evaluated: 2019-03-06. Review status: no assertion criteria provided. Collection method: clinical testing. Allele origin: germline. Not counted in ClinVar's aggregate classification.
Comment: This variant is classified as likely benign based on ACMG/AMP sequence variant interpretation guidelines (Richards et al. 2015 PMID: 25741868, with internal and published modifications).

NM_005359.6(SMAD4):c.486T>C (p.Tyr162=)

Gene: SMAD4 (SMAD family member 4; plus strand). Cytogenetic location: 18q21.2.
Variant type: single nucleotide variant.
Coding change: c.486T>C on transcript NM_005359.6 (MANE Select); coding-DNA position 486, T replaced by C.
Protein change: p.Tyr162=; no amino-acid change (tyrosine 162 retained).
Molecular consequence: synonymous variant.
Genome position (GRCh38, 1-based): chr18:51,054,812, T>C. VCF-style: chr18-51054812-T-C. GRCh37 (hg19) VCF-style: chr18-48581182-T-C.
Identifiers: ClinVar variation 391104 (VCV000391104.21), dbSNP rs1057523970, ClinGen allele CA16608759.
Genomic context (GRCh38, chr18:51,054,812, plus strand): 5'-ATTTAAAATATGTTTAATTTTCTATATAGCTCCATCAAGTATGATGGTGAAGGATGAATA[T>C]GTGCATGACTTTGAGGGACAGCCATCGTTGTCCACTGAAGGACATTCAATTCAAACCATC-3'
Protein context (NP_005350.1, residues 152-172): APSSMMVKDE[Tyr162=]VHDFEGQPSL